The following is an entry in ClinVar:

NM_001035.3(RYR2):c.7744C>A (p.Pro2582Thr)

Gene: RYR2 (ryanodine receptor 2; plus strand). Cytogenetic location: 1q43.
Variant type: single nucleotide variant.
Coding change: c.7744C>A on transcript NM_001035.3 (MANE Select); coding-DNA position 7744, C replaced by A.
Protein change: p.Pro2582Thr; replaces proline 2582 with threonine.
Molecular consequence: missense variant.
Genome position (GRCh38, 1-based): chr1:237,651,421, C>A. VCF-style: chr1-237651421-C-A. GRCh37 (hg19) VCF-style: chr1-237814721-C-A.
Other names: short protein forms P2582T.
Identifiers: ClinVar variation 3075494 (VCV003075494.1), dbSNP rs759925283, ClinGen allele CA087486.

ClinVar aggregate classification (germline): Uncertain significance (1 of 4 stars; one submission).

Conditions:
Catecholaminergic polymorphic ventricular tachycardia (CVPT). Also called: Catecholamine-induced polymorphic ventricular tachycardia. Identifiers: Orphanet 3286, MedGen C5574922, MONDO:0017990.

Allele frequency attached by ClinVar (database versions not stated): ExAC 0.00002.

Submission:

All of Us Research Program, National Institutes of Health
Classification: Uncertain significance for Catecholaminergic polymorphic ventricular tachycardia. Last evaluated: 2024-02-05. Review status: criteria provided, single submitter. Criteria: ACMG Guidelines, 2015. Collection method: clinical testing. Allele origin: germline. Inheritance: Autosomal dominant inheritance. Observed: 1 variant allele, 1 heterozygote.
Comment: This missense variant replaces proline with threonine at codon 2582 of the RYR2 protein. Computational prediction suggests that this variant may have deleterious impact on protein structure and function (internally defined REVEL score threshold >= 0.7, PMID: 27666373). To our knowledge, functional studies have not been reported for this variant. This variant has not been reported in individuals affected with RYR2-related disorders in the literature. This variant has not been identified in the general population by the Genome Aggregation Database (gnomAD). The available evidence is insufficient to determine the role of this variant in disease conclusively. Therefore, this variant is classified as a Variant of Uncertain Significance.

This study involves interpretation of variants in research participants for the purpose of population health screening. Participant phenotype was not available at the time of variant classification. Additional details can be found in publication PMID: 35346344, PMCID: PMC8962531